The following is an entry in ClinVar:

ClinVar aggregate classification (germline): Uncertain significance (1 of 4 stars; one submission).

Submission:

GeneDx
Classification: Uncertain significance. Last evaluated: 2022-10-20. Review status: criteria provided, single submitter. Criteria: GeneDx Variant Classification Process June 2021. Collection method: clinical testing. Allele origin: germline. Affected: yes.
Comment: Not observed at significant frequency in large population cohorts (gnomAD); In silico analysis supports that this missense variant has a deleterious effect on protein structure/function; Has not been previously published as pathogenic or benign to our knowledge

NM_203447.4(DOCK8):c.2485A>C (p.Asn829His)

Gene: DOCK8 (dedicator of cytokinesis 8; plus strand). Cytogenetic location: 9p24.3.
Variant type: single nucleotide variant.
Coding change: c.2485A>C on transcript NM_203447.4 (MANE Select); coding-DNA position 2485, A replaced by C.
Protein change: p.Asn829His; replaces asparagine 829 with histidine.
Molecular consequence: missense variant.
Genome position (GRCh38, 1-based): chr9:379,815, A>C. VCF-style: chr9-379815-A-C. GRCh37 (hg19) VCF-style: chr9-379815-A-C.
Other names: c.2281A>C, p.Asn761His (NM_001190458.2, NM_001193536.2); short protein forms N761H, N829H.
Identifiers: ClinVar variation 2499737 (VCV002499737.1), dbSNP rs2538367585, ClinGen allele CA372764768.